The following is an entry in ClinVar:

ClinVar aggregate classification (germline): Uncertain significance (0 of 4 stars; one submission).

Conditions:
SEMA3D-related disorder. Also called: SEMA3D-related condition.

gnomAD v4.1: 7 of 1,612,098 alleles (0.00043%); highest among the groups gnomAD compares: South Asian, 0.0022%; no homozygotes.

Submission:

PreventionGenetics, part of Exact Sciences
Classification: Uncertain significance for SEMA3D-related condition. Last evaluated: 2024-03-23. Review status: no assertion criteria provided. Collection method: clinical testing. Allele origin: germline.
Comment: The SEMA3D c.2330C>T variant is predicted to result in the amino acid substitution p.Thr777Met. To our knowledge, this variant has not been reported in the literature. This variant is reported in 0.0033% of alleles in individuals of South Asian descent in gnomAD. At this time, the clinical significance of this variant is uncertain due to the absence of conclusive functional and genetic evidence.

NM_001384900.1(SEMA3D):c.2330C>T (p.Thr777Met)

Gene: SEMA3D (semaphorin 3D; minus strand). Cytogenetic location: 7q21.11.
Variant type: single nucleotide variant.
Coding change: c.2330C>T on transcript NM_001384900.1 (MANE Select); coding-DNA position 2330, C replaced by T.
Protein change: p.Thr777Met; replaces threonine 777 with methionine.
Molecular consequence: missense variant.
Genome position (GRCh38, 1-based): chr7:84,999,444, G>A on the plus strand (C>T on the coding strand, the complement: SEMA3D is on the minus strand). VCF-style: chr7-84999444-G-A. GRCh37 (hg19) VCF-style: chr7-84628760-G-A.
Other names: c.2330C>T, p.Thr777Met (NM_001384901.1, NM_001384902.1, NM_001384903.1 and 1 more transcripts); short protein forms T777M.
Identifiers: ClinVar variation 3349383 (VCV003349383.1).